The following is an entry in ClinVar:

ClinVar aggregate classification (germline): Pathogenic. Review status: reviewed by expert panel (3 of 4 stars). 7 submissions from 7 submitters: Pathogenic (1). 6 of the submissions do not count toward it. Last evaluated 2016-09-08.

Conditions:
Breast-ovarian cancer, familial, susceptibility to, 1 (BROVCA1). Also called: BRCA1 Hereditary Breast and Ovarian Cancer; OVARIAN CANCER, SUSCEPTIBILITY TO. Identifiers: Orphanet 145, MedGen C2676676, MONDO:0011450, OMIM 604370. Disease mechanism: loss of function.
Hereditary cancer-predisposing syndrome. Also called: Hereditary Cancer Syndrome; Hereditary neoplastic syndrome; Neoplastic Syndromes, Hereditary; Tumor predisposition. Identifiers: Orphanet 140162, MedGen C0027672, MeSH D009386, MONDO:0015356.
Hereditary breast ovarian cancer syndrome. Also called: BRCA1- and BRCA2-Associated Hereditary Breast and Ovarian Cancer; Hereditary breast and ovarian cancer syndrome; Hereditary breast and ovarian cancer syndrome (HBOC); Breast and ovarian cancer; Hereditary breast and/or ovarian cancer syndrome; Hereditary breast and ovarian cancer. Identifiers: Orphanet 145, MedGen C0677776, MeSH D061325, MONDO:0003582. Disease mechanism: loss of function.

Submissions (7):

Evidence-based Network for the Interpretation of Germline Mutant Alleles (ENIGMA)
Classification: Pathogenic for Breast-ovarian cancer, familial, susceptibility to, 1. Last evaluated: 2016-09-08. Review status: reviewed by expert panel. Criteria: ENIGMA BRCA1/2 Classification Criteria (2015). Collection method: curation. Allele origin: germline.
Comment: Variant allele predicted to encode a truncated non-functional protein.

Labcorp Genetics (formerly Invitae), Labcorp
Classification: Pathogenic for Hereditary breast ovarian cancer syndrome. Last evaluated: 2023-09-22. Review status: criteria provided, single submitter. Criteria: Invitae Variant Classification Sherloc (09022015). Collection method: clinical testing. Allele origin: germline. Not counted in ClinVar's aggregate classification.
Comment: This sequence change creates a premature translational stop signal (p.Leu1261Tyrfs*3) in the BRCA1 gene. It is expected to result in an absent or disrupted protein product. Loss-of-function variants in BRCA1 are known to be pathogenic (PMID: 20104584). This variant is not present in population databases (gnomAD no frequency). This premature translational stop signal has been observed in individual(s) with BRCA1-related conditions (PMID: 10923033, 21520333). For these reasons, this variant has been classified as Pathogenic. ClinVar contains an entry for this variant (Variation ID: 55004). This variant is also known as 3901delT.

Ambry Genetics
Classification: Pathogenic for Hereditary cancer-predisposing syndrome. Last evaluated: 2023-08-25. Review status: criteria provided, single submitter. Criteria: Ambry Variant Classification Scheme 2023. Collection method: clinical testing. Allele origin: germline. Not counted in ClinVar's aggregate classification.
Comment: The c.3782delT pathogenic mutation, located in coding exon 9 of the BRCA1 gene, results from a deletion of one nucleotide at nucleotide position 3782, causing a translational frameshift with a predicted alternate stop codon (p.L1261Yfs*3). This variant is considered to be rare based on population cohorts in the Genome Aggregation Database (gnomAD). This alteration is expected to result in loss of function by premature protein truncation or nonsense-mediated mRNA decay. As such, this alteration is interpreted as a disease-causing mutation.

All of Us Research Program, National Institutes of Health
Classification: Pathogenic for Breast-ovarian cancer, familial, susceptibility to, 1. Last evaluated: 2023-07-19. Review status: criteria provided, single submitter. Criteria: ACMG Guidelines, 2015. Collection method: clinical testing. Allele origin: germline. Inheritance: Autosomal dominant inheritance. Observed: 1 variant allele, 1 heterozygote. Not counted in ClinVar's aggregate classification.
Comment: This variant deletes 1 nucleotide in exon 10 of the BRCA1 gene, creating a frameshift and premature translation stop signal. This variant is expected to result in an absent or non-functional protein product. This variant has been identified in 1 family among CIMBA participants (PMID: 29446198). This variant has not been identified in the general population by the Genome Aggregation Database (gnomAD). Loss of BRCA1 function is a known mechanism of disease. Based on the available evidence, this variant is classified as Pathogenic.

This study involves interpretation of variants in research participants for the purpose of population health screening. Participant phenotype was not available at the time of variant classification. Additional details can be found in publication PMID: 35346344, PMCID: PMC8962531

Color Diagnostics, LLC DBA Color Health
Classification: Pathogenic for Hereditary cancer-predisposing syndrome. Last evaluated: 2023-03-22. Review status: criteria provided, single submitter. Criteria: ACMG Guidelines, 2015. Collection method: clinical testing. Allele origin: germline. Not counted in ClinVar's aggregate classification.
Comment: This variant deletes 1 nucleotide in exon 10 of the BRCA1 gene, creating a frameshift and premature translation stop signal. This variant is expected to result in an absent or non-functional protein product. This variant has been identified in 1 family among CIMBA participants (PMID: 29446198). This variant has not been identified in the general population by the Genome Aggregation Database (gnomAD). Loss of BRCA1 function is a known mechanism of disease. Based on the available evidence, this variant is classified as Pathogenic.

Consortium of Investigators of Modifiers of BRCA1/2 (CIMBA), c/o University of Cambridge
Classification: Pathogenic for Breast-ovarian cancer, familial, susceptibility to, 1. Last evaluated: 2015-10-02. Review status: criteria provided, single submitter. Criteria: CIMBA Mutation Classification guidelines May 2016. Collection method: clinical testing. Allele origin: germline. Not counted in ClinVar's aggregate classification.

Breast Cancer Information Core (BIC) (BRCA1)
Classification: Pathogenic for Breast-ovarian cancer, familial 1. Last evaluated: 2002-05-29. Review status: no assertion criteria provided. Collection method: clinical testing. Allele origin: germline. Affected: yes. Observed: 2 variant alleles. Not counted in ClinVar's aggregate classification.

Literature cited by the submitters: PubMed 20104584 (cited by Labcorp Genetics (formerly Invitae), Labcorp); PubMed 10923033 (cited by Labcorp Genetics (formerly Invitae), Labcorp); PubMed 21520333 (cited by Labcorp Genetics (formerly Invitae), Labcorp); PubMed 29446198 (cited by All of Us Research Program, National Institutes of Health and Color Diagnostics, LLC DBA Color Health).

NM_007294.4(BRCA1):c.3782del (p.Leu1261fs)

Genes: BRCA1 (BRCA1 DNA repair associated; minus strand), LOC126862571 (BRD4-independent group 4 enhancer GRCh37_chr17:41243136-41244335; plus strand). Cytogenetic location: 17q21.31.
Variant type: Deletion.
Coding change: c.3782del on transcript NM_007294.4 (MANE Select); coding-DNA position 3782, one base deleted (T; older notation c.3782delT).
Protein change: p.Leu1261fs; shifts the reading frame from leucine 1261.
Molecular consequence: frameshift variant. On other transcripts: intron variant (135).
Genome position (GRCh38, 1-based): chr17:43,091,749, A deleted on the plus strand (T on the coding strand, the reverse complement: BRCA1 is on the minus strand); the first of 2 consecutive A bases (chr17:43,091,749-43,091,750); deleting either gives the same sequence. VCF-style (leftmost placement, unchanged base first): chr17-43091748-TA-T. GRCh37 (hg19) VCF-style: chr17-41243765-TA-T.
Other names: 3901delT; c.3569del, p.Leu1190fs (NM_001407571.1, NM_001407853.1, NM_001407894.1 and 9 more transcripts); c.3782del, p.Leu1261fs (NM_001407581.1, NM_001407582.1, NM_001407583.1 and 30 more transcripts); c.3779del, p.Leu1260fs (NM_001407587.1, NM_001407590.1, NM_001407591.1 and 22 more transcripts); c.3773del, p.Leu1258fs (NM_001407646.1, NM_001407647.1); c.3659del, p.Leu1220fs (NM_001407648.1, NM_001407664.1, NM_001407665.1 and 19 more transcripts); c.3656del, p.Leu1219fs (NM_001407649.1, NM_001407670.1, NM_001407671.1 and 11 more transcripts); c.3704del, p.Leu1235fs (NM_001407653.1, NM_001407654.1, NM_001407655.1 and 4 more transcripts); and 43 more; short protein forms L1214fs, L1261fs, L1172fs, L1190fs, L1194fs, L1235fs, L1149fs, L1173fs.
Identifiers: ClinVar variation 55004 (VCV000055004.17), dbSNP rs80357545, ClinGen allele CA002435.